The following is an entry in ClinVar:

NM_000158.4(GBE1):c.674C>T (p.Pro225Leu)

Gene: GBE1 (1,4-alpha-glucan branching enzyme 1; minus strand). Cytogenetic location: 3p12.2.
Variant type: single nucleotide variant.
Coding change: c.674C>T on transcript NM_000158.4 (MANE Select); coding-DNA position 674, C replaced by T.
Protein change: p.Pro225Leu; replaces proline 225 with leucine.
Molecular consequence: missense variant.
Genome position (GRCh38, 1-based): chr3:81,648,873, G>A on the plus strand (C>T on the coding strand, the complement: GBE1 is on the minus strand). VCF-style: chr3-81648873-G-A. GRCh37 (hg19) VCF-style: chr3-81698024-G-A.
Other names: p.Pro225Leu; short protein forms P225L.
Identifiers: ClinVar variation 1697194 (VCV001697194.6), dbSNP rs370664131, ClinGen allele CA2499898.

ClinVar aggregate classification (germline): Uncertain significance. Review status: criteria provided, multiple submitters, no conflicts (2 of 4 stars). 3 submissions from 3 submitters: Uncertain significance (3). Last evaluated 2026-10-16.

Conditions:
Inborn genetic diseases. Identifiers: MedGen C0950123, MeSH D030342.

Allele frequency attached by ClinVar (database versions not stated): gnomAD 0.00003; ESP Exome Variant Server 0.00009; ExAC 0.00002; gnomAD exomes 0.00001.
gnomAD v4.1: 12 of 1,556,644 alleles (0.00077%); highest among the groups gnomAD compares: African/African-American, 0.013%; no homozygotes.

Submissions (3):

GeneDx
Classification: Uncertain significance. Last evaluated: 2026-10-16. Review status: criteria provided, single submitter. Criteria: GeneDx Variant Classification Process June 2021. Collection method: clinical testing. Allele origin: germline.
Comment: Has not been previously published as pathogenic or benign to our knowledge; In silico analysis supports that this missense variant has a deleterious effect on protein structure/function; Not observed at significant frequency in large population cohorts (gnomAD)

Mayo Clinic Laboratories, Mayo Clinic
Classification: Uncertain significance. Last evaluated: 2024-02-27. Review status: criteria provided, single submitter. Criteria: ACMG Guidelines, 2015. Collection method: clinical testing. Allele origin: germline. Observed: 1 variant allele.
Comment: PP3, PM2

Ambry Genetics
Classification: Uncertain significance for Inborn genetic diseases. Last evaluated: 2023-03-23. Review status: criteria provided, single submitter. Criteria: Ambry Variant Classification Scheme 2023. Collection method: clinical testing. Allele origin: germline.